The following is an entry in ClinVar:

NM_000379.4(XDH):c.3108G>T (p.Gly1036=)

Gene: XDH (xanthine dehydrogenase; minus strand). Cytogenetic location: 2p23.1.
Variant type: single nucleotide variant.
Coding change: c.3108G>T on transcript NM_000379.4 (MANE Select); coding-DNA position 3108, G replaced by T.
Protein change: p.Gly1036=; no amino-acid change (glycine 1036 retained).
Molecular consequence: synonymous variant.
Genome position (GRCh38, 1-based): chr2:31,348,307, C>A on the plus strand (G>T on the coding strand, the complement: XDH is on the minus strand). VCF-style: chr2-31348307-C-A. GRCh37 (hg19) VCF-style: chr2-31571173-C-A.
Identifiers: ClinVar variation 4745020 (VCV004745020.2).
Genomic context (GRCh38, chr2:31,348,307, plus strand): 5'-CTGCCAGAGAGGGCTGCTCACCTGGACCATTTTGGTATGAAGGCCTTGGCCCATCTCAGT[C>A]CCCCCGTGGGTCAGCAGCACAGAGCCATCTGTGTACACATGAAGTAGGGCTCCTGCCTAG-3'
Protein context (NP_000370.2, residues 1026-1046): TDGSVLLTHG[Gly1036=]TEMGQGLHTK

ClinVar aggregate classification (germline): Likely benign. Review status: criteria provided, multiple submitters, no conflicts (2 of 4 stars). 2 submissions from 2 submitters: Likely benign (2). Last evaluated 2026-02-18.

Conditions:
Xanthinuria type II. Also called: Xanthine dehydrogenase and aldehyde oxidase combined deficiency of; XDH and AOX dual deficiency. Identifiers: Orphanet 3467, Orphanet 93602, MedGen C1863688, MONDO:0011346, OMIM 603592.

gnomAD v4.1: 58 of 1,613,944 alleles (0.0036%); highest among the groups gnomAD compares: South Asian, 0.033%; 1 homozygote.

Submissions (2):

Women's Health and Genetics/Laboratory Corporation of America, LabCorp
Classification: Likely benign. Last evaluated: 2026-02-18. Review status: criteria provided, single submitter. Criteria: LabCorp Variant Classification Summary - May 2015. Collection method: clinical testing. Allele origin: germline.
Comment: Variant summary: XDH c.3108G>T alters a conserved nucleotide resulting in a synonymous change. Consensus agreement among computation tools predict no significant impact on normal splicing. However, these predictions have yet to be confirmed by functional studies. The variant allele was found at a frequency of 6e-05 in 251178 control chromosomes. This frequency is not significantly higher than estimated for disease-causing variants in XDH, allowing no conclusion about variant significance. To our knowledge, no occurrence of c.3108G>T in individuals affected with XDH-related conditions and no experimental evidence demonstrating its impact on protein function have been reported. No submitters have cited clinical-significance assessments for this variant to ClinVar. Based on the evidence outlined above, the variant was classified as likely benign.

Labcorp Genetics (formerly Invitae), Labcorp
Classification: Likely benign for Xanthinuria type II. Last evaluated: 2025-03-16. Review status: criteria provided, single submitter. Criteria: Invitae Variant Classification Sherloc (09022015). Collection method: clinical testing. Allele origin: germline.